The following is an entry in ClinVar:

ClinVar aggregate classification (germline): Pathogenic (1 of 4 stars; one submission).

Allele frequency attached by ClinVar (database versions not stated): gnomAD 0.00001.
gnomAD v4.1: 1 of 1,613,820 alleles (0.000062%); highest among the groups gnomAD compares: Non-Finnish European, 0.000085%; no homozygotes.

Submission:

Labcorp Genetics (formerly Invitae), Labcorp
Classification: Pathogenic. Last evaluated: 2025-01-29. Review status: criteria provided, single submitter. Criteria: Invitae Variant Classification Sherloc (09022015). Collection method: clinical testing. Allele origin: germline.
Comment: This sequence change replaces arginine, which is basic and polar, with glycine, which is neutral and non-polar, at codon 1368 of the ABCA4 protein (p.Arg1368Gly). This variant is present in population databases (no rsID available, gnomAD 0.002%). This missense change has been observed in individual(s) with Stargardt disease (internal data). ClinVar contains an entry for this variant (Variation ID: 1437896). Invitae Evidence Modeling of protein sequence and biophysical properties (such as structural, functional, and spatial information, amino acid conservation, physicochemical variation, residue mobility, and thermodynamic stability) indicates that this missense variant is expected to disrupt ABCA4 protein function with a positive predictive value of 95%. This variant disrupts the p.Arg1368 amino acid residue in ABCA4. Other variant(s) that disrupt this residue have been observed in individuals with ABCA4-related conditions (PMID: 22229821; internal data), which suggests that this may be a clinically significant amino acid residue. For these reasons, this variant has been classified as Pathogenic.

Literature cited by the submitters: PubMed 22229821.

NM_000350.3(ABCA4):c.4102C>G (p.Arg1368Gly)

Gene: ABCA4 (ATP binding cassette subfamily A member 4; minus strand). Cytogenetic location: 1p22.1.
Variant type: single nucleotide variant.
Coding change: c.4102C>G on transcript NM_000350.3 (MANE Select); coding-DNA position 4102, C replaced by G.
Protein change: p.Arg1368Gly; replaces arginine 1368 with glycine.
Molecular consequence: missense variant.
Genome position (GRCh38, 1-based): chr1:94,031,804, G>C on the plus strand (C>G on the coding strand, the complement: ABCA4 is on the minus strand). VCF-style: chr1-94031804-G-C. GRCh37 (hg19) VCF-style: chr1-94497360-G-C.
Other names: c.3880C>G, p.Arg1294Gly (NM_001425324.1); short protein forms R1368G, R1294G.
Identifiers: ClinVar variation 1437896 (VCV001437896.6), dbSNP rs1183074086, ClinGen allele CA341286794.